The following is an entry in ClinVar:

NM_000261.2(MYOC):c.1109C>T (p.Pro370Leu)

Gene: MYOC (myocilin; minus strand). Cytogenetic location: 1q24.3.
Variant type: single nucleotide variant.
Coding change: c.1109C>T on transcript NM_000261.2 (MANE Select); coding-DNA position 1109, C replaced by T.
Protein change: p.Pro370Leu; replaces proline 370 with leucine.
Molecular consequence: missense variant.
Genome position (GRCh38, 1-based): chr1:171,636,331, G>A on the plus strand (C>T on the coding strand, the complement: MYOC is on the minus strand). VCF-style: chr1-171636331-G-A. GRCh37 (hg19) VCF-style: chr1-171605471-G-A.
Other names: NM_000261.2(MYOC):c.1109C>T; short protein forms P370L.
Identifiers: ClinVar variation 7948 (VCV000007948.16), dbSNP rs74315330, ClinGen allele CA119171.

ClinVar aggregate classification (germline): Pathogenic. Review status: reviewed by expert panel (3 of 4 stars). 7 submissions from 7 submitters: Pathogenic (1). 6 of the submissions do not count toward it. Last evaluated 2025-12-03.

Conditions:
Open-angle glaucoma. Identifiers: MedGen C0017612, MONDO:0005338, HP:0012108.
Glaucoma 1, open angle, A (GLC1A). Also called: Glaucoma, Dominant (Juvenile Onset). Identifiers: Orphanet 98977, MedGen C1842028, MONDO:0007664, OMIM 137750.

Submissions (7):

ClinGen Glaucoma Variant Curation Expert Panel
Classification: Pathogenic for Open-angle glaucoma. Last evaluated: 2025-12-03. Review status: reviewed by expert panel. Criteria: ClinGen Glaucoma ACMG Specifications V2.0.0 Approved. Collection method: curation. Allele origin: germline. Inheritance: Autosomal dominant inheritance.
Comment: The c.1109C>T variant in MYOC is a missense variant predicted to cause substitution of Proline by Leucine at amino acid 370 (p.Pro370Leu). This variant was not found in any genetic ancestry group of gnomAD (v4.1.0), meeting the ≤ 0.0001 threshold set for PM2_Supporting in a genetic ancestry group of at least 10,000 alleles. The REVEL score = 0.89, which was within the 0.773-0.931 range for PP3_Moderate, predicting a damaging effect on MYOC function. A transgenic mouse model carrying human MYOC Pro370Leu (PMID: 36069958), and displaying reduced secretion of the Pro370Leu protein in vivo, exhibited a glaucoma phenotype (IOP elevation and retinal ganglion cell loss), meeting PS3. The Pro370Leu protein has also been assessed in these solubility, stability and secretion studies (PMIDs: 16466712,10545602, 11004290, 36579626, 15069026,16297911, 19234343, 17615537, 36267417, 21612213, 31270212), however, the same level of evidence was not met. 21 segregations in 2 families, with juvenile or primary open angle glaucoma (JOAG or POAG), have been reported (PMIDs: 9490287, 9772276), which fulfilled PP1_Strong (≥7 meioses in >1 family). There were more family studies published than presented here. 15 probands with JOAG or POAG have been reported carrying this variant (PMIDs: 9345106, 9328473, 11774072, 28564705, 12447164, 22194650, 9792882, 23453510, 29540704, 30484747, 9490287, 9772276), which met PS4 (≥ 15 probands). There were more probands published than presented here. In summary, this variant met the criteria to receive a score of 15 and to be classified as pathogenic (pathogenic classification ≥ 10, adapted from PMID: 32720330) for juvenile open angle glaucoma based on the ACMG/AMP criteria met, as specified by the ClinGen Glaucoma VCEP (v2, new_date_2024): PS3, PS4, PP1_Strong, PP3_Moderate, PM2_Supporting

Labcorp Genetics (formerly Invitae), Labcorp
Classification: Pathogenic. Last evaluated: 2024-06-28. Review status: criteria provided, single submitter. Criteria: Invitae Variant Classification Sherloc (09022015). Collection method: clinical testing. Allele origin: germline. Not counted in ClinVar's aggregate classification.
Comment: This sequence change replaces proline, which is neutral and non-polar, with leucine, which is neutral and non-polar, at codon 370 of the MYOC protein (p.Pro370Leu). This variant is not present in population databases (gnomAD no frequency). This missense change has been observed in individual(s) with glaucoma (PMID: 18728751, 30484747). It has also been observed to segregate with disease in related individuals. ClinVar contains an entry for this variant (Variation ID: 7948). Advanced modeling of protein sequence and biophysical properties (such as structural, functional, and spatial information, amino acid conservation, physicochemical variation, residue mobility, and thermodynamic stability) performed at Invitae indicates that this missense variant is expected to disrupt MYOC protein function with a positive predictive value of 95%. Experimental studies have shown that this missense change affects MYOC function (PMID: 16466712). For these reasons, this variant has been classified as Pathogenic.

Neuberg Centre For Genomic Medicine, NCGM
Classification: Pathogenic for Glaucoma 1, open angle, A. Last evaluated: 2023-05-20. Review status: criteria provided, single submitter. Criteria: ACMG Guidelines, 2015. Collection method: clinical testing. Allele origin: germline. Inheritance: Autosomal dominant inheritance. Affected: yes. Not counted in ClinVar's aggregate classification.
Comment: The missense c.1109C>T (p.Pro370Leu) variant in the MYOC gene has been observed in individual(s) with glaucoma (Svidnicki, Paulo Vinicius et al., 2018). It has also been observed to segregate with disease in related individuals. Experimental studies have shown that this missense change affects MYOC function (Gobeil, Stéphane et al.,2006).The variant is absent in gnomAD Exomes. It is submitted to ClinVar as Pathogenic (reviwed by expert panel). The amino acid Proline at position 370 is changed to a Leucine changing protein sequence and it might alter its composition and physico-chemical properties. Multiple lines of computational evidence (Polyphen - Damaging, SIFT – Damaging and MutationTaster - Disease causing) predict a damaging effect on protein structure and function for this variant. The amino acid change p.Pro370Leu in MYOC is predicted as conserved by GERP++ and PhyloP across 100 vertebrates. For these reasons, this variant has been classified as Pathogenic.

3billion
Classification: Pathogenic for Glaucoma 1, open angle, A. Last evaluated: 2022-05-22. Review status: criteria provided, single submitter. Criteria: ACMG Guidelines, 2015. Collection method: clinical testing. Allele origin: germline. Affected: yes. Observed: 1 heterozygote. Not counted in ClinVar's aggregate classification.
Comment: The variant is not observed in the gnomAD v2.1.1 dataset. Functional studies provide strong evidence of the variant having a damaging effect on the gene or gene product (PMID: 19023451). In silico tool predictions suggest damaging effect of the variant on gene or gene product (REVEL: 0.89; 3Cnet: 0.89). Same nucleotide change resulting in same amino acid change has been previously reported as pathogenic/likely pathogenic with strong evidence (PMID: 9328473). The variant has been reported to co-segregate with the disease in at least 3 similarly affected relatives/individuals in the same family or similarly affected unrelated families (PMID: 9345106). Therefore, this variant is classified as pathogenic according to the recommendation of ACMG/AMP guideline.

Genetics and Molecular Pathology, SA Pathology
Classification: Pathogenic for Glaucoma 1, open angle, A. Last evaluated: 2022-02-09. Review status: criteria provided, single submitter. Criteria: ACMG Guidelines, 2015. Collection method: clinical testing. Allele origin: germline. Affected: yes. Not counted in ClinVar's aggregate classification.

GeneDx
Classification: Pathogenic. Last evaluated: 2016-04-07. Review status: criteria provided, single submitter. Criteria: GeneDx Variant Classification (06012015). Collection method: clinical testing. Allele origin: germline. Affected: yes. Not counted in ClinVar's aggregate classification.
Comment: The P370L missense variant in the MYOC gene has been reported previously in association with juvenile-onset primary open angle glaucoma (JOAG) (Adam et al., 1997; Li et al., 2014). The P370L variant was not observed in approximately 6,500 individuals of European and African American ancestry in the NHLBI Exome Sequencing Project, indicating it is not a common benign variant in these populations. P370L is a semi-conservative amino acid substitution, which may impact secondary protein structure as these residues differ in some properties. This substitution occurs at a position within the olfactomedin-like domain that is conserved across species, and in silico analysis predicts this variant is probably damaging to the protein structure/function. Additionally, in vitro functional studies demonstrated that co-expression of the P370L variant reduced the extracellular levels of normal myocilin protein over 10-fold (Aroca-Aguilar et al., 2008). Missense variants in nearby residues (G367R, F369L, Y371D, G374V) have been reported in the Human Gene Mutation Database in association with open angle glaucoma (Stenson et al., 2014), supporting the functional importance of this region of the protein.

OMIM
Classification: Pathogenic for GLAUCOMA 1, OPEN ANGLE, A. Last evaluated: 1997-11-01. Review status: no assertion criteria provided. Collection method: literature only. Allele origin: germline. Not counted in ClinVar's aggregate classification.

Literature cited by the submitters: PubMed 19234343 (cited by ClinGen Glaucoma Variant Curation Expert Panel); PubMed 15069026 (cited by ClinGen Glaucoma Variant Curation Expert Panel); PubMed 36267417 (cited by ClinGen Glaucoma Variant Curation Expert Panel); PubMed 11004290 (cited by ClinGen Glaucoma Variant Curation Expert Panel); PubMed 21612213 (cited by ClinGen Glaucoma Variant Curation Expert Panel); PubMed 36579626 (cited by ClinGen Glaucoma Variant Curation Expert Panel); PubMed 31270212 (cited by ClinGen Glaucoma Variant Curation Expert Panel); PubMed 17615537 (cited by ClinGen Glaucoma Variant Curation Expert Panel); PubMed 36069958 (cited by ClinGen Glaucoma Variant Curation Expert Panel); PubMed 18728751 (cited by Labcorp Genetics (formerly Invitae), Labcorp); PubMed 30484747 (cited by Labcorp Genetics (formerly Invitae), Labcorp); PubMed 16466712 (cited by Labcorp Genetics (formerly Invitae), Labcorp); PubMed 9328473 (cited by 3billion and OMIM); PubMed 9345106 (cited by 3billion and OMIM); PubMed 19023451 (cited by 3billion).